The following is an entry in ClinVar:

NM_001323289.2(CDKL5):c.455G>T (p.Cys152Phe)

Gene: CDKL5 (cyclin dependent kinase like 5; plus strand). Cytogenetic location: Xp22.13.
Variant type: single nucleotide variant.
Coding change: c.455G>T on transcript NM_001323289.2 (MANE Select); coding-DNA position 455, G replaced by T.
Protein change: p.Cys152Phe; replaces cysteine 152 with phenylalanine.
Molecular consequence: missense variant.
Genome position (GRCh38, 1-based): chrX:18,581,942, G>T. VCF-style: chrX-18581942-G-T. GRCh37 (hg19) VCF-style: chrX-18600062-G-T.
Other names: NM_001323289.2(CDKL5):c.455G>T; c.455G>T, p.Cys152Phe (NM_001037343.2, NM_003159.3); short protein forms C152F.
Identifiers: ClinVar variation 11496 (VCV000011496.6), dbSNP rs122460157, ClinGen allele CA121515.

ClinVar aggregate classification (germline): Likely pathogenic. Review status: criteria provided, multiple submitters, no conflicts (2 of 4 stars). 4 submissions from 4 submitters: Likely pathogenic (2). 2 of the submissions do not count toward it. Last evaluated 2024-07-17.

Conditions:
CDKL5 disorder. Identifiers: MedGen CN296942, MONDO:0100039.
Developmental and epileptic encephalopathy, 2 (DEE2). Also called: INFANTILE SPASM SYNDROME, X-LINKED 2; CDKL5 deficiency disorder. Identifiers: Orphanet 1934, Orphanet 3451, Orphanet 505652, MedGen C4750718, MONDO:0010396, OMIM 300672.
Atypical Rett syndrome. Also called: Variant Rett Syndrome; Rett like syndrome. Identifiers: Orphanet 3095, MedGen C2748910, MONDO:0017746.

Submissions (4):

Centre for Population Genomics, CPG
Classification: Likely pathogenic for CDKL5 disorder. Last evaluated: 2024-07-17. Review status: criteria provided, single submitter. Criteria: McKnight et al. (Hum Mutat. 2022). Collection method: curation. Allele origin: germline. Inheritance: X-linked inheritance.
Comment: This variant has been collected from RettBASE and curated to current modified ACMG/AMP criteria. Based on the classification scheme defined by the ClinGen Rett/Angelman-like Expert Panel for Rett/AS-like Disorders Specifications to the ACMG/AMP Variant Interpretation Guidelines VCEP 3.0, this variant is classified as likely pathogenic. At least the following criteria are met: Another missense variant in the same codon has been classified as pathogenic (PM5, ClinVar Variation ID: 658951). This variant has been identified as a de novo occurrence in an individual with CDKL5 disorder without confirmation of paternity and maternity (PM6, PMID: 15499549). At least one individual with this variant has been reported with a clinical phenotype consistent with CDKL5- related condition (PP4). This variant is absent from gnomAD (PM2_Supporting).

Laboratorio de Genetica e Diagnostico Molecular, Hospital Israelita Albert Einstein
Classification: Likely pathogenic for Developmental and epileptic encephalopathy, 2. Last evaluated: 2022-11-23. Review status: criteria provided, single submitter. Criteria: ACMG Guidelines, 2015. Collection method: clinical testing. Allele origin: germline. Affected: yes. Observed: 1 variant allele.
Comment: ACMG classification criteria: PS3 supporting, PS4 supporting, PM2 moderated, PM5 moderated, PM6 moderated, PP3 supporting

RettBASE
Classification: Pathogenic for Atypical Rett syndrome. Last evaluated: 2014-03-13. Review status: no assertion criteria provided. Collection method: curation. Allele origin: de novo. Affected: yes. Observed: 1 variant allele. Not counted in ClinVar's aggregate classification.
Comment: In vitro study (Ricciardi et al 2009) shows abnormal nuclear speckles; In silico prediction: SIFT = deleterious, MutationTaster = disease-causing, PolyPhen2 = probably damaging, AlignGVGD = benign (C0)

OMIM
Classification: Pathogenic for DEVELOPMENTAL AND EPILEPTIC ENCEPHALOPATHY 2. Last evaluated: 2004-12-01. Review status: no assertion criteria provided. Collection method: literature only. Allele origin: germline. Not counted in ClinVar's aggregate classification.

Literature cited by the submitters: PubMed 15499549 (cited by RettBASE and OMIM).